The following is an entry in ClinVar:

NM_198525.3(KIF7):c.152G>A (p.Arg51His)

Gene: KIF7 (kinesin family member 7; minus strand). Cytogenetic location: 15q26.1.
Variant type: single nucleotide variant.
Coding change: c.152G>A on transcript NM_198525.3 (MANE Select); coding-DNA position 152, G replaced by A.
Protein change: p.Arg51His; replaces arginine 51 with histidine.
Molecular consequence: missense variant.
Genome position (GRCh38, 1-based): chr15:89,652,779, C>T on the plus strand (G>A on the coding strand, the complement: KIF7 is on the minus strand). VCF-style: chr15-89652779-C-T. GRCh37 (hg19) VCF-style: chr15-90196010-C-T.
Other names: c.152G>A (NM_198525.2); short protein forms R51H.
Identifiers: ClinVar variation 1427978 (VCV001427978.7), dbSNP rs555261308, ClinGen allele CA7728682.

ClinVar aggregate classification (germline): Conflicting classifications of pathogenicity. Review status: criteria provided, conflicting classifications (1 of 4 stars). 3 submissions from 3 submitters: Uncertain significance (1); Likely benign (2). Last evaluated 2025-12-10.

Conditions:
Acrocallosal syndrome (ACLS). Also called: HALLUX DUPLICATION, POSTAXIAL POLYDACTYLY, AND ABSENCE OF CORPUS CALLOSUM; Schinzel syndrome 1; Absence of corpus callosum with unusual facial appearance, mental deficiency, duplication of the halluces and polydactyly. Identifiers: Orphanet 36, MedGen C0796147, MONDO:0008708, OMIM 200990.
KIF7-related disorder. Also called: KIF7-related condition.

Allele frequency attached by ClinVar (database versions not stated): gnomAD 0.00003; ExAC 0.00005; gnomAD exomes 0.00014; 1000 Genomes Project 30x 0.00016; 1000 Genomes Project 0.00020.
gnomAD v4.1: 69 of 1,551,532 alleles (0.0044%); highest among the groups gnomAD compares: East Asian, 0.13%; no homozygotes.

Submissions (3):

PreventionGenetics, part of Exact Sciences
Classification: Likely benign for KIF7-related condition. Last evaluated: 2025-12-10. Review status: criteria provided, single submitter. Criteria: ACMG Guidelines, 2015. Collection method: clinical testing. Allele origin: germline.
Comment: This variant is classified as likely benign based on ACMG/AMP sequence variant interpretation guidelines (Richards et al. 2015 PMID: 25741868, with internal and published modifications).

Blueprint Genetics
Classification: Likely benign. Last evaluated: 2022-09-20. Review status: criteria provided, single submitter. Criteria: ACMG Guidelines, 2015. Collection method: clinical testing. Allele origin: germline.

Labcorp Genetics (formerly Invitae), Labcorp
Classification: Uncertain significance for Acrocallosal syndrome. Last evaluated: 2022-09-06. Review status: criteria provided, single submitter. Criteria: Invitae Variant Classification Sherloc (09022015). Collection method: clinical testing. Allele origin: germline.
Comment: This sequence change replaces arginine, which is basic and polar, with histidine, which is basic and polar, at codon 51 of the KIF7 protein (p.Arg51His). This variant is present in population databases (rs555261308, gnomAD 0.2%). This variant has not been reported in the literature in individuals affected with KIF7-related conditions. ClinVar contains an entry for this variant (Variation ID: 1427978). Algorithms developed to predict the effect of missense changes on protein structure and function (SIFT, PolyPhen-2, Align-GVGD) all suggest that this variant is likely to be tolerated. In summary, the available evidence is currently insufficient to determine the role of this variant in disease. Therefore, it has been classified as a Variant of Uncertain Significance.